The following is an entry in ClinVar:

ClinVar aggregate classification (germline): Uncertain significance (1 of 4 stars; one submission).

Conditions:
Arrhythmogenic cardiomyopathy with wooly hair and keratoderma. Also called: Carvajal syndrome; PALMOPLANTAR KERATODERMA WITH LEFT VENTRICULAR CARDIOMYOPATHY AND WOOLLY HAIR; Dilated cardiomyopathy with woolly hair and keratoderma; Arrhythmogenic cardiomyopathy with woolly hair and keratoderma. Identifiers: Orphanet 65282, MedGen C1854063, MONDO:0011581, OMIM 605676.
Arrhythmogenic right ventricular dysplasia 8 (ARVD8). Also called: Arrhythmogenic Right Ventricular Dysplasia/Cardiomyopathy 8; ARRHYTHMOGENIC RIGHT VENTRICULAR DYSPLASIA, FAMILIAL, 8; ARRHYTHMOGENIC RIGHT VENTRICULAR CARDIOMYOPATHY 8. Identifiers: MedGen C1843896, MONDO:0011831, OMIM 607450.

Submission:

Labcorp Genetics (formerly Invitae), Labcorp
Classification: Uncertain significance for Arrhythmogenic cardiomyopathy with wooly hair and keratoderma; Arrhythmogenic right ventricular dysplasia 8. Last evaluated: 2026-01-07. Review status: criteria provided, single submitter. Criteria: Invitae Variant Classification Sherloc (09022015). Collection method: clinical testing. Allele origin: germline.
Comment: This sequence change replaces glutamic acid, which is acidic and polar, with glutamine, which is neutral and polar, at codon 290 of the DSP protein (p.Glu290Gln). This variant is not present in population databases (gnomAD no frequency). This variant has not been reported in the literature in individuals affected with DSP-related conditions. An algorithm developed to predict the effect of missense changes on protein structure and function (PolyPhen-2) suggests that this variant is likely to be disruptive. In summary, the available evidence is currently insufficient to determine the role of this variant in disease. Therefore, it has been classified as a Variant of Uncertain Significance.

NM_004415.4(DSP):c.868G>C (p.Glu290Gln)

Gene: DSP (desmoplakin; plus strand). Cytogenetic location: 6p24.3.
Variant type: single nucleotide variant.
Coding change: c.868G>C on transcript NM_004415.4 (MANE Select); coding-DNA position 868, G replaced by C.
Protein change: p.Glu290Gln; replaces glutamic acid 290 with glutamine.
Molecular consequence: missense variant.
Genome position (GRCh38, 1-based): chr6:7,565,449, G>C. VCF-style: chr6-7565449-G-C. GRCh37 (hg19) VCF-style: chr6-7565682-G-C.
Other names: c.868G>C, p.Glu290Gln (NM_001008844.3, NM_001319034.2, NM_001406591.1); short protein forms E290Q.
Identifiers: ClinVar variation 4787209 (VCV004787209.1).
Genomic context (GRCh38, chr6:7,565,449, plus strand): 5'-CGACAGCTGCAGAACATCATTCAGGCCACGTCCAGGGAGATCATGTGGATCAATGACTGC[G>C]AGGAGGAGGAGCTGCTGTACGACTGGAGCGACAAGAACACCAACATCGCTCAGAAACAGG-3'
Protein context (NP_004406.2, residues 280-300): SREIMWINDC[Glu290Gln]EEELLYDWSD